The following is an entry in ClinVar:

NM_000406.3(GNRHR):c.*1260G>T

Gene: GNRHR (gonadotropin releasing hormone receptor; minus strand). Cytogenetic location: 4q13.2.
Variant type: single nucleotide variant.
Coding change: c.*1260G>T on transcript NM_000406.3 (MANE Select); 1260 bases downstream of the stop codon, G replaced by T.
Molecular consequence: 3 prime UTR variant.
Genome position (GRCh38, 1-based): chr4:67,739,220, C>A on the plus strand (G>T on the coding strand, the complement: GNRHR is on the minus strand). VCF-style: chr4-67739220-C-A. GRCh37 (hg19) VCF-style: chr4-68604938-C-A.
Other names: NC_000004.11:g.68604938C>A; c.*1369G>T (NM_001012763.2).
Identifiers: ClinVar variation 349436 (VCV000349436.7), dbSNP rs13150734, ClinGen allele CA10621540.

ClinVar aggregate classification (germline): Benign. Review status: criteria provided, multiple submitters, no conflicts (2 of 4 stars). 2 submissions from 2 submitters: Benign (2). Last evaluated 2018-01-13.

Conditions:
Hypogonadotropic hypogonadism 7 with or without anosmia (HH7). Also called: HYPOGONADOTROPIC HYPOGONADISM 7 WITHOUT ANOSMIA; GNRHR-Related GnRH Deficiency. Identifiers: Orphanet 432, MedGen C0342384, MONDO:0007794, OMIM 146110.

Allele frequency attached by ClinVar (database versions not stated): 1000 Genomes Project 0.18550; 1000 Genomes Project 30x 0.19097; gnomAD 0.22923; TOPMed 0.23282.

Submissions (3):

Illumina Laboratory Services, Illumina
Classification: Benign for Hypogonadotropic hypogonadism 7 with or without anosmia. Last evaluated: 2018-01-13. Review status: criteria provided, single submitter. Criteria: ICSL Variant Classification Criteria 13 December 2019. Collection method: clinical testing. Allele origin: germline.
Comment: This variant was observed in the ICSL laboratory as part of a predisposition screen in an ostensibly healthy population. It had not been previously curated by ICSL or reported in the Human Gene Mutation Database (HGMD: prior to June 1st, 2018), and was therefore a candidate for classification through an automated scoring system. Utilizing variant allele frequency, disease prevalence and penetrance estimates, and inheritance mode, an automated score was calculated to assess if this variant is too frequent to cause the disease. Based on the score and internal cut-off values, a variant classified as benign is not then subjected to further curation. The score for this variant resulted in a classification of benign for this disease.

Breakthrough Genomics
Classification: Benign. Review status: criteria provided, single submitter. Criteria: ACMG Guidelines, 2015. Collection method: not provided. Allele origin: germline. Inheritance: Autosomal recessive inheritance. Affected: yes.

Dr. Peter K. Rogan Lab, Western University
No classification provided (evidence only). Condition: Ovarian serous cystadenocarcinoma. Review status: no classification provided. Collection method: in vitro. Allele origin: not applicable. Functional consequence: retained intron. Not counted in ClinVar's aggregate classification.